The following is an entry in ClinVar:

NC_000016.9:g.(?_29824376)_(30081533_?)del

Genes: ALDOA (aldolase, fructose-bisphosphate A; plus strand), ASPHD1 (aspartate beta-hydroxylase domain containing 1; plus strand), C16orf92 (chromosome 16 open reading frame 92; plus strand), CDIPT (CDP-diacylglycerol--inositol 3-phosphatidyltransferase; minus strand), DOC2A (double C2 domain alpha; minus strand) and 10 more. Cytogenetic location: 16p11.2.
Variant type: Deletion.
Identifiers: ClinVar variation 3243485 (VCV003243485.1).

ClinVar aggregate classification (germline): Pathogenic (1 of 4 stars; one submission).

Conditions:
Episodic kinesigenic dyskinesia (EKD). Also called: Paroxysmal kinesigenic dyskinesia. Identifiers: Orphanet 98809, MedGen C1868682, MONDO:0044202.

Submission:

Labcorp Genetics (formerly Invitae), Labcorp
Classification: Pathogenic for Episodic kinesigenic dyskinesia. Last evaluated: 2024-01-25. Review status: criteria provided, single submitter. Criteria: Invitae Variant Classification Sherloc (09022015). Collection method: clinical testing. Allele origin: unknown.
Comment: A gross deletion of the genomic region encompassing the full coding sequence of the PRRT2 gene has been identified. Loss-of-function variants in PRRT2 are known to be pathogenic (PMID: 22623405, 22744660). The boundaries of this event are unknown as they extend beyond the assayed region for this gene and therefore may encompass additional genes. A similar copy number variant has been observed in individual(s) with epilepsy, infantile convulsions with paroxysmal choreoathetosis syndrome, and/or paroxysmal kinesigenic dyskinesia (PMID: 22515636, 23363396, 24811917). In at least one individual the variant was observed to be de novo. For these reasons, this variant has been classified as Pathogenic.

Literature cited by the submitters: PubMed 22623405; PubMed 22744660; PubMed 22515636; PubMed 23363396; PubMed 24811917.